The following is an entry in ClinVar:

NM_021871.4(FGA):c.5T>C (p.Phe2Ser)

Gene: FGA (fibrinogen alpha chain; minus strand). Cytogenetic location: 4q31.3.
Variant type: single nucleotide variant.
Coding change: c.5T>C on transcript NM_021871.4 (MANE Select); coding-DNA position 5, T replaced by C.
Protein change: p.Phe2Ser; replaces phenylalanine 2 with serine.
Molecular consequence: missense variant.
Genome position (GRCh38, 1-based): chr4:154,590,683, A>G on the plus strand (T>C on the coding strand, the complement: FGA is on the minus strand). VCF-style: chr4-154590683-A-G. GRCh37 (hg19) VCF-style: chr4-155511835-A-G.
Other names: c.5T>C, p.Phe2Ser (NM_000508.5); short protein forms F2S.
Identifiers: ClinVar variation 3361161 (VCV003361161.1).

ClinVar aggregate classification (germline): Uncertain significance (1 of 4 stars; one submission).

gnomAD v4.1: 5 of 1,556,164 alleles (0.00032%); highest among the groups gnomAD compares: African/African-American, 0.0041%; no homozygotes.

Submission:

GeneDx
Classification: Uncertain significance. Last evaluated: 2023-07-13. Review status: criteria provided, single submitter. Criteria: GeneDx Variant Classification Process June 2021. Collection method: clinical testing. Allele origin: germline. Affected: yes.
Comment: Not observed at significant frequency in large population cohorts (gnomAD); In silico analysis supports that this missense variant has a deleterious effect on protein structure/function; Has not been previously published as pathogenic or benign to our knowledge